The following is an entry in ClinVar:

ClinVar aggregate classification (germline): Pathogenic (1 of 4 stars; one submission).

Conditions:
Congenital myasthenic syndrome 9. Also called: Myasthenic syndrome, congenital, 9, associated with acetylcholine receptor deficiency. Identifiers: Orphanet 590, MedGen C4225368, MONDO:0014587, OMIM 616325.
Fetal akinesia deformation sequence 1 (FADS1). Also called: Fetal akinesia sequence; Pena-Shokeir syndrome type I. Identifiers: Orphanet 994, MedGen C1276035, MONDO:0100101, OMIM 208150, HP:0001989.

Submission:

Labcorp Genetics (formerly Invitae), Labcorp
Classification: Pathogenic for Congenital myasthenic syndrome 9; Fetal akinesia deformation sequence 1. Last evaluated: 2020-02-28. Review status: criteria provided, single submitter. Criteria: Invitae Variant Classification Sherloc (09022015). Collection method: clinical testing. Allele origin: germline.
Comment: This variant is not present in population databases (ExAC no frequency). For these reasons, this variant has been classified as Pathogenic. Loss-of-function variants in MUSK are known to be pathogenic (PMID: 8653786, 25612909, 25695962, 25900532). This variant has not been reported in the literature in individuals with MUSK-related conditions. This sequence change creates a premature translational stop signal (p.Asn194Lysfs*16) in the MUSK gene. It is expected to result in an absent or disrupted protein product.

Literature cited by the submitters: PubMed 8653786; PubMed 25612909; PubMed 25695962; PubMed 25900532.

NM_005592.4(MUSK):c.581dup (p.Asn194fs)

Gene: MUSK (muscle associated receptor tyrosine kinase; plus strand). Cytogenetic location: 9q31.3.
Variant type: Duplication.
Coding change: c.581dup on transcript NM_005592.4 (MANE Select); coding-DNA position 581, one base duplicated (A; older notation c.581dupA).
Protein change: p.Asn194fs; shifts the reading frame from asparagine 194.
Molecular consequence: frameshift variant.
Genome position (GRCh38, 1-based): chr9:110,697,419, A duplicated; the last of 6 consecutive A bases (chr9:110,697,414-110,697,419); duplicating any one gives the same sequence. VCF-style (leftmost placement, unchanged base first): chr9-110697413-C-CA. GRCh37 (hg19) VCF-style: chr9-113459693-C-CA.
Other names: c.581dup, p.Asn194fs (NM_001166280.2, NM_001166281.2); short protein forms N194fs.
Identifiers: ClinVar variation 1068787 (VCV001068787.7), dbSNP rs1395885868, ClinGen allele CA589779026.